The following is an entry in ClinVar:

NM_001160148.2(DDHD1):c.732C>G (p.His244Gln)

Gene: DDHD1 (DDHD domain containing 1; minus strand). Cytogenetic location: 14q22.1.
Variant type: single nucleotide variant.
Coding change: c.732C>G on transcript NM_001160148.2 (MANE Select); coding-DNA position 732, C replaced by G.
Protein change: p.His244Gln; replaces histidine 244 with glutamine.
Molecular consequence: missense variant.
Genome position (GRCh38, 1-based): chr14:53,152,367, G>C on the plus strand (C>G on the coding strand, the complement: DDHD1 is on the minus strand). VCF-style: chr14-53152367-G-C. GRCh37 (hg19) VCF-style: chr14-53619085-G-C.
Other names: c.732C>G, p.His244Gln (NM_001160147.2, NM_030637.3); short protein forms H244Q.
Identifiers: ClinVar variation 3697751 (VCV003697751.2).
Genomic context (GRCh38, chr14:53,152,367, plus strand): 5'-GTAGAGGCCGCCCCGCACGCACACAGGCTCGATGTTCACAAGCTCCACCATCTCCGGCTC[G>C]TGCCCCGTCGTACTCTGGCAGAAGCCGCAGGCGCGGTCCTCATCGTCATCTTCTCCGGAA-3'
Protein context (NP_001153620.1, residues 234-254): ACGFCQSTTG[His244Gln]EPEMVELVNI

ClinVar aggregate classification (germline): Uncertain significance (1 of 4 stars; one submission).

Conditions:
Hereditary spastic paraplegia 28. Also called: Spastic paraplegia 28, autosomal recessive. Identifiers: Orphanet 101008, MedGen C1836295, MONDO:0012256, OMIM 609340.

gnomAD v4.1: 2 of 1,613,726 alleles (0.00012%); highest among the groups gnomAD compares: Non-Finnish European, 0.00017%; no homozygotes.

Submission:

Labcorp Genetics (formerly Invitae), Labcorp
Classification: Uncertain significance for Hereditary spastic paraplegia 28. Last evaluated: 2025-01-13. Review status: criteria provided, single submitter. Criteria: Invitae Variant Classification Sherloc (09022015). Collection method: clinical testing. Allele origin: germline.
Comment: This sequence change replaces histidine, which is basic and polar, with glutamine, which is neutral and polar, at codon 244 of the DDHD1 protein (p.His244Gln). This variant is not present in population databases (gnomAD no frequency). This variant has not been reported in the literature in individuals affected with DDHD1-related conditions. Invitae Evidence Modeling of protein sequence and biophysical properties (such as structural, functional, and spatial information, amino acid conservation, physicochemical variation, residue mobility, and thermodynamic stability) indicates that this missense variant is not expected to disrupt DDHD1 protein function with a negative predictive value of 80%. In summary, the available evidence is currently insufficient to determine the role of this variant in disease. Therefore, it has been classified as a Variant of Uncertain Significance.